The following is an entry in ClinVar:

ClinVar aggregate classification (germline): Pathogenic. Review status: criteria provided, multiple submitters, no conflicts (2 of 4 stars). 2 submissions from 2 submitters: Pathogenic (2). Last evaluated 2026-06-09.

Conditions:
Breast-ovarian cancer, familial, susceptibility to, 2 (BROVCA2). Also called: BRCA2 Hereditary Breast and Ovarian Cancer. Identifiers: Orphanet 145, MedGen C2675520, MONDO:0012933, OMIM 612555. Disease mechanism: loss of function.
Hereditary breast ovarian cancer syndrome. Also called: Breast and ovarian cancer; BRCA1- and BRCA2-Associated Hereditary Breast and Ovarian Cancer; Hereditary breast and ovarian cancer syndrome; Hereditary breast and ovarian cancer; Hereditary breast and ovarian cancer syndrome (HBOC); Hereditary breast and/or ovarian cancer syndrome. Identifiers: Orphanet 145, MedGen C0677776, MeSH D061325, MONDO:0003582. Disease mechanism: loss of function.

Submissions (2):

Myriad Genetics, Inc.
Classification: Pathogenic for Breast-ovarian cancer, familial, susceptibility to, 2. Last evaluated: 2026-06-09. Review status: criteria provided, single submitter. Criteria: Myriad Autosomal Dominant, Autosomal Recessive and X-Linked Classification Criteria (2023). Collection method: clinical testing. Allele origin: unknown.
Comment: This variant is considered pathogenic. This variant creates a frameshift predicted to result in premature protein truncation.

Labcorp Genetics (formerly Invitae), Labcorp
Classification: Pathogenic for Hereditary breast ovarian cancer syndrome. Last evaluated: 2019-11-27. Review status: criteria provided, single submitter. Criteria: Invitae Variant Classification Sherloc (09022015). Collection method: clinical testing. Allele origin: germline.
Comment: For these reasons, this variant has been classified as Pathogenic. Loss-of-function variants in BRCA2 are known to be pathogenic (PMID: 20104584). This variant has not been reported in the literature in individuals with BRCA2-related conditions. This variant is not present in population databases (ExAC no frequency). This sequence change creates a premature translational stop signal (p.Asn213Lysfs*17) in the BRCA2 gene. It is expected to result in an absent or disrupted protein product.

Literature cited by the submitters: PubMed 20104584 (cited by Labcorp Genetics (formerly Invitae), Labcorp).

NM_000059.4(BRCA2):c.639del (p.Asn213fs)

Gene: BRCA2 (BRCA2 DNA repair associated; plus strand). Cytogenetic location: 13q13.1.
Variant type: Deletion.
Coding change: c.639del on transcript NM_000059.4 (MANE Select); coding-DNA position 639, one base deleted (T; older notation c.639delT).
Protein change: p.Asn213fs; shifts the reading frame from asparagine 213.
Molecular consequence: frameshift variant.
Genome position (GRCh38, 1-based): chr13:32,329,450, T deleted. VCF-style (leftmost placement, unchanged base first): chr13-32329449-AT-A. GRCh37 (hg19) VCF-style: chr13-32903586-AT-A.
Other names: short protein forms N213fs.
Identifiers: ClinVar variation 846133 (VCV000846133.9), dbSNP rs2072373015, ClinGen allele CA916080538.